The following is an entry in ClinVar:

NM_000363.5(TNNI3):c.239G>A (p.Cys80Tyr)

Gene: TNNI3 (troponin I3, cardiac type; minus strand). Cytogenetic location: 19q13.42.
Variant type: single nucleotide variant.
Coding change: c.239G>A on transcript NM_000363.5 (MANE Select); coding-DNA position 239, G replaced by A.
Protein change: p.Cys80Tyr; replaces cysteine 80 with tyrosine.
Molecular consequence: missense variant.
Genome position (GRCh38, 1-based): chr19:55,156,244, C>T on the plus strand (G>A on the coding strand, the complement: TNNI3 is on the minus strand). VCF-style: chr19-55156244-C-T. GRCh37 (hg19) VCF-style: chr19-55667612-C-T.
Other names: short protein forms C80Y.
Identifiers: ClinVar variation 2774619 (VCV002774619.6), dbSNP rs777801855, ClinGen allele CA050720.

ClinVar aggregate classification (germline): Uncertain significance. Review status: criteria provided, multiple submitters, no conflicts (2 of 4 stars). 3 submissions from 3 submitters: Uncertain significance (3). Last evaluated 2025-07-15.

Conditions:
Cardiovascular phenotype. Identifiers: MedGen CN230736.
Cardiomyopathy (CMYO). Also called: Cardiomyopathies. Identifiers: Orphanet 167848, MedGen C0878544, MONDO:0004994, HP:0001638. Inheritance: Various modes of inheritance.
Hypertrophic cardiomyopathy. Also called: HYPERTROPHIC MYOCARDIOPATHY. Identifiers: Orphanet 217569, MedGen C0007194, MeSH D002312, MONDO:0005045, HP:0001639.

Allele frequency attached by ClinVar (database versions not stated): ExAC 0.00001; gnomAD exomes 0.00001.

Submissions (3):

Ambry Genetics
Classification: Uncertain significance for Cardiovascular phenotype. Last evaluated: 2025-07-15. Review status: criteria provided, single submitter. Criteria: Ambry Variant Classification Scheme 2023. Collection method: clinical testing. Allele origin: germline.

Labcorp Genetics (formerly Invitae), Labcorp
Classification: Uncertain significance for Hypertrophic cardiomyopathy. Last evaluated: 2023-10-25. Review status: criteria provided, single submitter. Criteria: Invitae Variant Classification Sherloc (09022015). Collection method: clinical testing. Allele origin: germline.
Comment: This sequence change replaces cysteine, which is neutral and slightly polar, with tyrosine, which is neutral and polar, at codon 80 of the TNNI3 protein (p.Cys80Tyr). This variant is present in population databases (rs777801855, gnomAD 0.003%). This variant has not been reported in the literature in individuals affected with TNNI3-related conditions. An algorithm developed to predict the effect of missense changes on protein structure and function (PolyPhen-2) suggests that this variant is likely to be disruptive. In summary, the available evidence is currently insufficient to determine the role of this variant in disease. Therefore, it has been classified as a Variant of Uncertain Significance.

Color Diagnostics, LLC DBA Color Health
Classification: Uncertain significance for Cardiomyopathy. Last evaluated: 2023-08-30. Review status: criteria provided, single submitter. Criteria: ACMG Guidelines, 2015. Collection method: clinical testing. Allele origin: germline.
Comment: This missense variant replaces cysteine with tyrosine at codon 80 of the TNNI3 protein. Computational prediction suggests that this variant may have deleterious impact on protein structure and function (internally defined REVEL score threshold >= 0.7, PMID: 27666373). To our knowledge, functional studies have not been reported for this variant. This variant has not been reported in individuals affected with TNNI3-related disorders in the literature. This variant has been identified in 1/241112 chromosomes in the general population by the Genome Aggregation Database (gnomAD). The available evidence is insufficient to determine the role of this variant in disease conclusively. Therefore, this variant is classified as a Variant of Uncertain Significance.